The following is an entry in ClinVar:

ClinVar aggregate classification (germline): Likely pathogenic (1 of 4 stars; one submission).

Conditions:
X-linked agammaglobulinemia (XLA). Also called: Bruton's agammaglobulinemia; Agammaglobulinemia, Bruton tyrosine kinase; Agammaglobulinemia, BTK; BTK-deficiency; AGAMMAGLOBULINEMIA, X-LINKED, TYPE 1; Bruton-type agammaglobulinemia. Identifiers: Orphanet 229717, Orphanet 47, MedGen C0221026, MONDO:0010421, OMIM 300755.

Submission:

3billion
Classification: Likely pathogenic for X-linked agammaglobulinemia. Last evaluated: 2022-09-01. Review status: criteria provided, single submitter. Criteria: ACMG Guidelines, 2015. Collection method: clinical testing. Allele origin: germline. Affected: yes. Observed: 1 hemizygote.
Comment: The variant is not observed in the gnomAD v2.1.1 dataset. Missense changes are a common disease-causing mechanism. In silico tool predictions suggest damaging effect of the variant on gene or gene product (REVEL: 0.94; 3Cnet: 0.67). Same nucleotide change resulting in same amino acid change has been previously reported to be associated with BTK-related disorder (PMID: 14974089). A different missense change at the same codon (p.Trp124Arg) has been reported to be associated with BTK-related disorder (ClinVar ID: VCV000381633 / PMID: 19039656). Therefore, this variant is classified as Likely pathogenic according to the recommendation of ACMG/AMP guideline.

Literature cited by the submitters: PubMed 14974089; PubMed 19039656.

NM_000061.3(BTK):c.372G>T (p.Trp124Cys)

Gene: BTK (Bruton tyrosine kinase; minus strand). Cytogenetic location: Xq22.1.
Variant type: single nucleotide variant.
Coding change: c.372G>T on transcript NM_000061.3 (MANE Select); coding-DNA position 372, G replaced by T.
Protein change: p.Trp124Cys; replaces tryptophan 124 with cysteine.
Molecular consequence: missense variant.
Genome position (GRCh38, 1-based): chrX:101,370,017, C>A on the plus strand (G>T on the coding strand, the complement: BTK is on the minus strand). VCF-style: chrX-101370017-C-A. GRCh37 (hg19) VCF-style: chrX-100625005-C-A.
Other names: c.474G>T, p.Trp158Cys (NM_001287344.2); c.372G>T, p.Trp124Cys (NM_001287345.2); short protein forms W124C, W158C.
Identifiers: ClinVar variation 1705620 (VCV001705620.1), dbSNP rs2520657043, ClinGen allele CA413936977.